The following is an entry in ClinVar:

NM_033026.6(PCLO):c.10203TGT[2] (p.Val3404del)

Gene: PCLO (piccolo presynaptic cytomatrix protein; minus strand). Cytogenetic location: 7q21.11.
Variant type: Microsatellite.
Coding change: c.10203TGT[2] on transcript NM_033026.6 (MANE Select); two copies in a row of the 3-base unit TGT starting at c.10203; the reference has three copies in a row; one copy, 3 bases deleted; also written c.10209_10211del.
Protein change: p.Val3404del; deletes valine 3404.
Molecular consequence: inframe deletion.
Genome position (GRCh38, 1-based): chr7:82,950,377-82,950,379, ACA deleted on the plus strand (TGT on the coding strand, the reverse complement: PCLO is on the minus strand); deleting any 3 consecutive bases within chr7:82,950,377-82,950,385 gives the same sequence; the position shown is the placement nearest the transcript's 3' end. VCF-style (leftmost placement, unchanged base first): chr7-82950376-CACA-C. GRCh37 (hg19) VCF-style: chr7-82579692-CACA-C.
Other names: c.10209_10211del (NM_033026.5); c.10203TGT[2], p.Val3404del (NM_014510.3); c.10209_10211delTGT (NM_033026.6); short protein forms V3404del.
Identifiers: ClinVar variation 2039110 (VCV002039110.4), dbSNP rs752249225, ClinGen allele CA4319774.

ClinVar aggregate classification (germline): Uncertain significance. Review status: criteria provided, multiple submitters, no conflicts (2 of 4 stars). 3 submissions from 3 submitters: Uncertain significance (3). Last evaluated 2026-02-24.

Submissions (3):

GeneDx
Classification: Uncertain significance. Last evaluated: 2026-02-24. Review status: criteria provided, single submitter. Criteria: GeneDx Variant Classification Process June 2021. Collection method: clinical testing. Allele origin: germline.
Comment: In-frame deletion of 1 amino acid(s) in a non-repeat region; In silico analysis suggests that this variant does not alter protein structure/function; Has not been previously published as pathogenic or benign to our knowledge

Women's Health and Genetics/Laboratory Corporation of America, LabCorp
Classification: Uncertain significance. Last evaluated: 2025-05-20. Review status: criteria provided, single submitter. Criteria: LabCorp Variant Classification Summary - May 2015. Collection method: clinical testing. Allele origin: germline.
Comment: Variant summary: PCLO c.10209_10211delTGT (p.Val3404del) results in an in-frame deletion that is predicted to remove one amino acid from the encoded protein. The variant allele was found at a frequency of 6.8e-05 in 248934 control chromosomes. This frequency is not significantly higher than estimated for a pathogenic variant in PCLO causing Pontocerebellar Hypoplasia Type 3, allowing no conclusion about variant significance. To our knowledge, no occurrence of c.10209_10211delTGT in individuals affected with Pontocerebellar Hypoplasia Type 3 and no experimental evidence demonstrating its impact on protein function have been reported. ClinVar contains an entry for this variant (Variation ID: 2039110). Based on the evidence outlined above, the variant was classified as uncertain significance.

Labcorp Genetics (formerly Invitae), Labcorp
Classification: Uncertain significance. Last evaluated: 2023-08-23. Review status: criteria provided, single submitter. Criteria: Invitae Variant Classification Sherloc (09022015). Collection method: clinical testing. Allele origin: germline.
Comment: In summary, the available evidence is currently insufficient to determine the role of this variant in disease. Therefore, it has been classified as a Variant of Uncertain Significance. Experimental studies and prediction algorithms are not available or were not evaluated, and the functional significance of this variant is currently unknown. This variant has not been reported in the literature in individuals affected with PCLO-related conditions. This variant, c.10209_10211del, results in the deletion of 1 amino acid(s) of the PCLO protein (p.Val3404del), but otherwise preserves the integrity of the reading frame. This variant is present in population databases (rs752249225, gnomAD 0.03%).